The following is an entry in ClinVar:

NM_001378120.1(MBD5):c.4075T>C (p.Phe1359Leu)

Gene: MBD5 (methyl-CpG binding domain protein 5; plus strand). Cytogenetic location: 2q23.1.
Variant type: single nucleotide variant.
Coding change: c.4075T>C on transcript NM_001378120.1 (MANE Select); coding-DNA position 4075, T replaced by C.
Protein change: p.Phe1359Leu; replaces phenylalanine 1359 with leucine.
Molecular consequence: missense variant.
Genome position (GRCh38, 1-based): chr2:148,489,707, T>C. VCF-style: chr2-148489707-T-C. GRCh37 (hg19) VCF-style: chr2-149247276-T-C.
Other names: p.F1126L:TTC>CTC; c.3376T>C, p.Phe1126Leu (NM_018328.5); short protein forms F1126L, F1359L.
Identifiers: ClinVar variation 206099 (VCV000206099.2), dbSNP rs796052718, ClinGen allele CA315854.

ClinVar aggregate classification (germline): Uncertain significance (1 of 4 stars; one submission).

Submission:

GeneDx
Classification: Uncertain significance. Last evaluated: 2013-11-01. Review status: criteria provided, single submitter. Criteria: GeneDx Variant Classification (06012015). Collection method: clinical testing. Allele origin: germline. Affected: yes.
Comment: p.F1126L (TTC>CTC):c.3376T>C in exon 12 of the MBD5 gene (NM_018328.4) The Phe1126Leu missense change has not been published as a mutation, nor has it been reported as a benign polymorphism to our knowledge. It was not observed in approximately 6,500 individuals of European and African American ancestry in the NHLBI Exome Sequencing Project, indicating it is not a common benign variant in these populations. This variant is a conservative substitution of one uncharged, non-polar amino acid for another at a position that is conserved across species. In silico analysis predicts this variant is probably damaging to the protein structure/function. However, to our knowledge, only deletions and frameshift mutations in MBD5 have been published in association with epilepsy. Therefore, based on the currently available information, it is unclear whether this variant is a pathogenic mutation or a rare benign variant. The variant is found in EPILEPSY panel(s).